The following is an entry in ClinVar:

ClinVar aggregate classification (germline): Pathogenic (1 of 4 stars; one submission).

Conditions:
Legius syndrome. Identifiers: Orphanet 137605, MedGen C1969623, MONDO:0012669, OMIM 611431. Disease mechanism: loss of function.

Submission:

Labcorp Genetics (formerly Invitae), Labcorp
Classification: Pathogenic for Legius syndrome. Last evaluated: 2022-06-07. Review status: criteria provided, single submitter. Criteria: Invitae Variant Classification Sherloc (09022015). Collection method: clinical testing. Allele origin: germline.
Comment: This sequence change creates a premature translational stop signal (p.Asp154Valfs*20) in the SPRED1 gene. It is expected to result in an absent or disrupted protein product. Loss-of-function variants in SPRED1 are known to be pathogenic (PMID: 17704776). This variant is not present in population databases (gnomAD no frequency). This variant has not been reported in the literature in individuals affected with SPRED1-related conditions. For these reasons, this variant has been classified as Pathogenic.

Literature cited by the submitters: PubMed 17704776.

NM_152594.3(SPRED1):c.461del (p.Asp154fs)

Gene: SPRED1 (sprouty related EVH1 domain containing 1; plus strand). Cytogenetic location: 15q14.
Variant type: Deletion.
Coding change: c.461del on transcript NM_152594.3 (MANE Select); coding-DNA position 461, one base deleted (A; older notation c.461delA).
Protein change: p.Asp154fs; shifts the reading frame from aspartic acid 154.
Molecular consequence: frameshift variant.
Genome position (GRCh38, 1-based): chr15:38,339,774, A deleted. VCF-style (leftmost placement, unchanged base first): chr15-38339773-GA-G. GRCh37 (hg19) VCF-style: chr15-38631974-GA-G.
Other names: short protein forms D154fs.
Identifiers: ClinVar variation 2002706 (VCV002002706.4), dbSNP rs2542723633, ClinGen allele CA2580089302.
Genomic context (GRCh38, chr15:38,339,773, plus strand): 5'-TGCATTGAGGGTTGTTCCCAATAGGCAAATGAAGAGGATTCTTCCAGTTCTCTAGTGAAG[GA>G]TCACCTTTTTCAGCAAGAGACAGTTGTTACCAGTGAGCCTTATAGAAGCTCAAATATAAG-3'